The following is an entry in ClinVar:

ClinVar aggregate classification (germline): Likely benign (1 of 4 stars; one submission).

Conditions:
RPGR-related disorder. Also called: RPGR-related condition.

Submission:

PreventionGenetics, part of Exact Sciences
Classification: Likely benign for RPGR-related condition. Last evaluated: 2025-04-17. Review status: criteria provided, single submitter. Criteria: ACMG Guidelines, 2015. Collection method: clinical testing. Allele origin: germline.
Comment: This variant is classified as likely benign based on ACMG/AMP sequence variant interpretation guidelines (Richards et al. 2015 PMID: 25741868, with internal and published modifications).

NC_000023.11:g.38268975T>A

Gene: RPGR (retinitis pigmentosa GTPase regulator; minus strand). Cytogenetic location: Xp11.4.
Variant type: single nucleotide variant.
Genome position: GRCh38 VCF-style: chrX-38268975-T-A. GRCh37 (hg19) VCF-style: chrX-38128228-T-A.
Identifiers: ClinVar variation 4984295 (VCV004984295.1).